The following is an entry in ClinVar:

ClinVar aggregate classification (germline): Uncertain significance. Review status: criteria provided, multiple submitters, no conflicts (2 of 4 stars). 3 submissions from 3 submitters: Uncertain significance (3). Last evaluated 2025-08-29.

Conditions:
Hypertrophic cardiomyopathy. Also called: HYPERTROPHIC MYOCARDIOPATHY. Identifiers: Orphanet 217569, MedGen C0007194, MeSH D002312, MONDO:0005045, HP:0001639.
Cardiovascular phenotype. Identifiers: MedGen CN230736.

Submissions (3):

Ambry Genetics
Classification: Uncertain significance for Cardiovascular phenotype. Last evaluated: 2025-08-29. Review status: criteria provided, single submitter. Criteria: Ambry Variant Classification Scheme 2023. Collection method: clinical testing. Allele origin: germline.
Comment: The p.G912V variant (also known as c.2735G>T), located in coding exon 26 of the MYBPC3 gene, results from a G to T substitution at nucleotide position 2735. The glycine at codon 912 is replaced by valine, an amino acid with dissimilar properties. This variant has been detected in a hypertrophic cardiomyopathy cohort; however, details were limited (Bos JM et al. Mayo Clin Proc, 2014 Jun;89:727-37). This amino acid position is highly conserved in available vertebrate species. In addition, the in silico prediction for this alteration is inconclusive. Since supporting evidence is limited at this time, the clinical significance of this alteration remains unclear.

GeneDx
Classification: Uncertain significance. Last evaluated: 2024-03-13. Review status: criteria provided, single submitter. Criteria: GeneDx Variant Classification Process June 2021. Collection method: clinical testing. Allele origin: germline. Affected: yes.
Comment: Identified in a patient with HCM in published literature (PMID: 24793961); Not observed at significant frequency in large population cohorts (gnomAD); In silico analysis supports that this missense variant has a deleterious effect on protein structure/function; In silico analysis supports a deleterious effect on splicing; This variant is associated with the following publications: (PMID: 24793961)

Labcorp Genetics (formerly Invitae), Labcorp
Classification: Uncertain significance for Hypertrophic cardiomyopathy. Last evaluated: 2019-10-18. Review status: criteria provided, single submitter. Criteria: Invitae Variant Classification Sherloc (09022015). Collection method: clinical testing. Allele origin: germline.
Comment: In summary, the available evidence is currently insufficient to determine the role of this variant in disease. Therefore, it has been classified as a Variant of Uncertain Significance. Algorithms developed to predict the effect of sequence changes on RNA splicing suggest that this variant may create or strengthen a splice site, but this prediction has not been confirmed by published transcriptional studies. Algorithms developed to predict the effect of missense changes on protein structure and function are either unavailable or do not agree on the potential impact of this missense change (SIFT: "Deleterious"; PolyPhen-2: "Probably Damaging"; Align-GVGD: "Class C15"). This variant has been observed in an individual affected with hypertrophic cardiomyopathy (PMID: 24793961). The frequency data for this variant in the population databases is considered unreliable, as metrics indicate insufficient coverage at this position in the ExAC database. This sequence change replaces glycine with valine at codon 912 of the MYBPC3 protein (p.Gly912Val). The glycine residue is highly conserved and there is a moderate physicochemical difference between glycine and valine.

Literature cited by the submitters: PubMed 24793961 (cited by Ambry Genetics and Labcorp Genetics (formerly Invitae), Labcorp).

NM_000256.3(MYBPC3):c.2735G>T (p.Gly912Val)

Gene: MYBPC3 (myosin binding protein C3; minus strand). Cytogenetic location: 11p11.2.
Variant type: single nucleotide variant.
Coding change: c.2735G>T on transcript NM_000256.3 (MANE Select); coding-DNA position 2735, G replaced by T.
Protein change: p.Gly912Val; replaces glycine 912 with valine.
Molecular consequence: missense variant.
Genome position (GRCh38, 1-based): chr11:47,335,879, C>A on the plus strand (G>T on the coding strand, the complement: MYBPC3 is on the minus strand). VCF-style: chr11-47335879-C-A. GRCh37 (hg19) VCF-style: chr11-47357430-C-A.
Other names: short protein forms G912V.
Identifiers: ClinVar variation 968074 (VCV000968074.13), dbSNP rs867959512, ClinGen allele CA221685762.
Genomic context (GRCh38, chr11:47,335,879, plus strand): 5'-ATGGCAAGGTGAGCATGTTCTTCCTTTGGGGAGGGGGGTTGGGGGCGGGGACACTCACAG[C>A]CCTCTGGGCAGTACTCCACGCTGTAGCCATCCAGGCCTCCTGCTCCCACGCGCTCTGGGG-3'
Protein context (NP_000247.2, residues 902-922): DGYSVEYCPE[Gly912Val]CSEWVAALQG